The following is an entry in ClinVar:

NM_006662.3(SRCAP):c.800G>T (p.Gly267Val)

Gene: SRCAP (Snf2 related CREBBP activator protein; plus strand). Cytogenetic location: 16p11.2.
Variant type: single nucleotide variant.
Coding change: c.800G>T on transcript NM_006662.3 (MANE Select); coding-DNA position 800, G replaced by T.
Protein change: p.Gly267Val; replaces glycine 267 with valine.
Molecular consequence: missense variant.
Genome position (GRCh38, 1-based): chr16:30,709,679, G>T. VCF-style: chr16-30709679-G-T. GRCh37 (hg19) VCF-style: chr16-30721000-G-T.
Other names: short protein forms G267V.
Identifiers: ClinVar variation 2883295 (VCV002883295.4), dbSNP rs150504436, ClinGen allele CA8010756.

ClinVar aggregate classification (germline): Uncertain significance (1 of 4 stars; one submission).

Allele frequency attached by ClinVar (database versions not stated): ExAC 0.00007; gnomAD exomes 0.00009; gnomAD 0.00004; TOPMed 0.00003; ESP Exome Variant Server 0.00015.
gnomAD v4.1: 129 of 1,614,048 alleles (0.008%); highest among the groups gnomAD compares: Non-Finnish European, 0.01%; no homozygotes.

Submissions (2):

Labcorp Genetics (formerly Invitae), Labcorp
Classification: Uncertain significance. Last evaluated: 2026-01-01. Review status: criteria provided, single submitter. Criteria: Invitae Variant Classification Sherloc (09022015). Collection method: clinical testing. Allele origin: germline.
Comment: This sequence change replaces glycine, which is neutral and non-polar, with valine, which is neutral and non-polar, at codon 267 of the SRCAP protein (p.Gly267Val). This variant is present in population databases (rs150504436, gnomAD 0.01%). This missense change has been observed in individual(s) with Floating-Harbor syndrome (PMID: 34906459). ClinVar contains an entry for this variant (Variation ID: 2883295). Invitae Evidence Modeling of protein sequence and biophysical properties (such as structural, functional, and spatial information, amino acid conservation, physicochemical variation, residue mobility, and thermodynamic stability) indicates that this missense variant is not expected to disrupt SRCAP protein function with a negative predictive value of 80%. In summary, the available evidence is currently insufficient to determine the role of this variant in disease. Therefore, it has been classified as a Variant of Uncertain Significance.

Dr. Peter K. Rogan Lab, Western University
No classification provided (evidence only). Condition: Melanoma. Review status: no classification provided. Collection method: in vitro. Allele origin: not applicable. Functional consequence: retained intron. Not counted in ClinVar's aggregate classification.

Literature cited by the submitters: PubMed 34906459 (cited by Labcorp Genetics (formerly Invitae), Labcorp).